The following is an entry in ClinVar:

ClinVar aggregate classification (germline): Pathogenic (1 of 4 stars; one submission).

Conditions:
Long QT syndrome (LQTS). Identifiers: MedGen C0023976, MeSH D008133, MONDO:0002442. Disease mechanism: loss of function. Inheritance: Various modes of inheritance.

Submission:

All of Us Research Program, National Institutes of Health
Classification: Pathogenic for Long QT syndrome. Last evaluated: 2024-01-08. Review status: criteria provided, single submitter. Criteria: ACMG Guidelines, 2015. Collection method: clinical testing. Allele origin: germline. Inheritance: Autosomal dominant inheritance. Observed: 1 variant allele, 1 heterozygote.
Comment: This variant causes a duplication of 4 nucleotides in exon 12/15 of the KCNH2 gene, creating a frameshift and premature translation stop signal. This variant is expected to result in an absent or non-functional protein product. To our knowledge, this variant has not been reported in individuals affected with KCNH2-related disorders in the literature. This variant has not been identified in the general population by the Genome Aggregation Database (gnomAD). Loss of KCNH2 function is a known mechanism of disease. Based on the available evidence, this variant is classified as Pathogenic.

This study involves interpretation of variants in research participants for the purpose of population health screening. Participant phenotype was not available at the time of variant classification. Additional details can be found in publication PMID: 35346344, PMCID: PMC8962531

NM_000238.4(KCNH2):c.2710_2713dup (p.Val905fs)

Gene: KCNH2 (potassium voltage-gated channel subfamily H member 2; minus strand). Cytogenetic location: 7q36.1.
Variant type: Duplication.
Coding change: c.2710_2713dup on transcript NM_000238.4 (MANE Select); coding-DNA positions 2710 to 2713, 4 bases duplicated (GAGG; older notation c.2710_2713dupGAGG).
Protein change: p.Val905fs; shifts the reading frame from valine 905.
Molecular consequence: frameshift variant.
Genome position (GRCh38, 1-based): chr7:150,947,858-150,947,861, CCTC duplicated on the plus strand (GAGG on the coding strand, the reverse complement: KCNH2 is on the minus strand); duplicating any 4 consecutive bases within chr7:150,947,858-150,947,863 gives the same sequence; the c. name uses the placement nearest the transcript's 3' end. VCF-style (leftmost placement, unchanged base first): chr7-150947857-A-ACCTC. GRCh37 (hg19) VCF-style: chr7-150644945-A-ACCTC.
Other names: c.2422_2425dup, p.Val809fs (NM_001406753.1); c.1690_1693dup, p.Val565fs (NM_172057.3); short protein forms V565fs, V809fs, V905fs.
Identifiers: ClinVar variation 3075307 (VCV003075307.1), dbSNP rs2486008628, ClinGen allele CA2825001554.